The following is an entry in ClinVar:

NM_001035.3(RYR2):c.304A>G (p.Met102Val)

Gene: RYR2 (ryanodine receptor 2; plus strand). Cytogenetic location: 1q43.
Variant type: single nucleotide variant.
Coding change: c.304A>G on transcript NM_001035.3 (MANE Select); coding-DNA position 304, A replaced by G.
Protein change: p.Met102Val; replaces methionine 102 with valine.
Molecular consequence: missense variant.
Genome position (GRCh38, 1-based): chr1:237,364,367, A>G. VCF-style: chr1-237364367-A-G. GRCh37 (hg19) VCF-style: chr1-237527667-A-G.
Other names: short protein forms M102V.
Identifiers: ClinVar variation 1799236 (VCV001799236.2), dbSNP rs1700028974, ClinGen allele CA345654849.

ClinVar aggregate classification (germline): Uncertain significance (1 of 4 stars; one submission).

Conditions:
Cardiovascular phenotype. Identifiers: MedGen CN230736.

Allele frequency attached by ClinVar (database versions not stated): TOPMed below 0.00001.

Submission:

Ambry Genetics
Classification: Uncertain significance for Cardiovascular phenotype. Last evaluated: 2019-10-30. Review status: criteria provided, single submitter. Criteria: Ambry Variant Classification Scheme 2023. Collection method: clinical testing. Allele origin: germline.
Comment: The p.M102V variant (also known as c.304A>G), located in coding exon 5 of the RYR2 gene, results from an A to G substitution at nucleotide position 304. The methionine at codon 102 is replaced by valine, an amino acid with highly similar properties. This amino acid position is highly conserved in available vertebrate species. In addition, the in silico prediction for this alteration is inconclusive. Since supporting evidence is limited at this time, the clinical significance of this alteration remains unclear.